The following is an entry in ClinVar:

NM_006180.6(NTRK2):c.1087G>A (p.Ala363Thr)

Gene: NTRK2 (neurotrophic receptor tyrosine kinase 2; plus strand). Cytogenetic location: 9q21.33.
Variant type: single nucleotide variant.
Coding change: c.1087G>A on transcript NM_006180.6 (MANE Select); coding-DNA position 1087, G replaced by A.
Protein change: p.Ala363Thr; replaces alanine 363 with threonine.
Molecular consequence: missense variant.
Genome position (GRCh38, 1-based): chr9:84,727,887, G>A. VCF-style: chr9-84727887-G-A. GRCh37 (hg19) VCF-style: chr9-87342802-G-A.
Other names: c.1087G>A, p.Ala363Thr (NM_001007097.3, NM_001018064.3, NM_001018065.2 and 16 more transcripts); c.1048G>A, p.Ala350Thr (NM_001291937.2, NM_001369546.1); c.619G>A, p.Ala207Thr (NM_001369535.1, NM_001369536.1, NM_001369552.1 and 2 more transcripts); short protein forms A350T, A207T, A363T.
Identifiers: ClinVar variation 1495135 (VCV001495135.8), dbSNP rs1451356116, ClinGen allele CA374008991.
Genomic context (GRCh38, chr9:84,727,887, plus strand): 5'-CACGGCTGCCTCCAGCTGGATAATCCCACTCACATGAACAATGGGGACTACACTCTAATA[G>A]CCAAGAATGAGTATGGGAAGGATGAGAAACAGATTTCTGCTCACTTCATGGGCTGGCCTG-3'
Protein context (NP_006171.2, residues 353-373): HMNNGDYTLI[Ala363Thr]KNEYGKDEKQ

ClinVar aggregate classification (germline): Uncertain significance (1 of 4 stars; one submission).

Allele frequency attached by ClinVar (database versions not stated): TOPMed below 0.00001.

Submission:

Labcorp Genetics (formerly Invitae), Labcorp
Classification: Uncertain significance. Last evaluated: 2022-02-02. Review status: criteria provided, single submitter. Criteria: Invitae Variant Classification Sherloc (09022015). Collection method: clinical testing. Allele origin: germline.
Comment: In summary, the available evidence is currently insufficient to determine the role of this variant in disease. Therefore, it has been classified as a Variant of Uncertain Significance. Advanced modeling of protein sequence and biophysical properties (such as structural, functional, and spatial information, amino acid conservation, physicochemical variation, residue mobility, and thermodynamic stability) performed at Invitae indicates that this missense variant is not expected to disrupt NTRK2 protein function. This variant has not been reported in the literature in individuals affected with NTRK2-related conditions. This variant is not present in population databases (gnomAD no frequency). This sequence change replaces alanine, which is neutral and non-polar, with threonine, which is neutral and polar, at codon 363 of the NTRK2 protein (p.Ala363Thr).